The following is an entry in ClinVar:

ClinVar aggregate classification (germline): Conflicting classifications of pathogenicity. Review status: criteria provided, conflicting classifications (1 of 4 stars). 7 submissions from 7 submitters: Pathogenic (3); Likely pathogenic (2); Uncertain significance (1). 1 of the submissions does not count toward it. Last evaluated 2026-05-14.

Conditions:
CACNA1A-related disorder. Also called: CACNA1A-related condition.
Developmental and epileptic encephalopathy, 42 (DEE42A). Also called: EPILEPTIC ENCEPHALOPATHY, EARLY INFANTILE, 42A; Epileptic encephalopathy, early infantile, 42; DEVELOPMENTAL AND EPILEPTIC ENCEPHALOPATHY 42A. Identifiers: MedGen C4310716, MONDO:0014917, OMIM 617106.
Episodic ataxia type 2 (EA2). Also called: ACETAZOLAMIDE-RESPONSIVE HEREDITARY PAROXYSMAL CEREBELLAR ATAXIA; ATAXIA, EPISODIC, WITH NYSTAGMUS; ATAXIA, FAMILIAL PAROXYSMAL; CEREBELLAR ATAXIA, PAROXYSMAL, ACETAZOLAMIDE-RESPONSIVE; CEREBELLOPATHY, HEREDITARY PAROXYSMAL; EPISODIC ATAXIA, NYSTAGMUS-ASSOCIATED. Identifiers: Orphanet 97, MedGen C1720416, MONDO:0007163, OMIM 108500.

Allele frequency attached by ClinVar (database versions not stated): gnomAD exomes below 0.00001; TOPMed below 0.00001; gnomAD 0.00001.
gnomAD v4.1: 3 of 1,591,312 alleles (0.00019%); highest among the groups gnomAD compares: Non-Finnish European, 0.00026%; no homozygotes.

Submissions (7):

PreventionGenetics, part of Exact Sciences
Classification: Uncertain significance for CACNA1A-related condition. Last evaluated: 2026-05-14. Review status: criteria provided, single submitter. Criteria: ACMG Guidelines, 2015. Collection method: clinical testing. Allele origin: germline.
Comment: The CACNA1A c.1594G>A variant is predicted to result in the amino acid substitution p.Glu532Lys. This variant, also referred to as p.Glu533Lys using an alternative transcript (NM_023035.2), has been reported in individuals with episodic ataxia and segregated with disease in one family (Scoggan et al. 2006. PubMed ID: 16583725; Maksemous et al. 2016. PubMed ID: 27066515). This variant has also been reported in two siblings with benign paroxysmal torticollis who inherited the variant from their presumed unaffected mother, and in a control individual with a negative history of child-onset neurodevelopmental disorders (Vila-Pueyo et al. 2014. PubMed ID: 24445160; Table S1, Takata et al. 2019. PubMed ID: 31175295). An in vitro functional study using HEK293 cells suggests this variant impacts CACNA1A channel properties (Vila-Pueyo et al. 2014. PubMed ID: 24445160). This variant has not been reported in a large population database (gnomAD), indicating this variant is rare, and it is classified as pathogenic/likely pathogenic in the ClinVar database (Variation ID: 420057). Although we suspect that this variant may be pathogenic, at this time, the clinical significance of this variant is uncertain due to the absence of conclusive functional and genetic evidence.

GeneDx
Classification: Likely pathogenic. Last evaluated: 2025-12-17. Review status: criteria provided, single submitter. Criteria: GeneDx Variant Classification Process June 2021. Collection method: clinical testing. Allele origin: germline. Affected: yes.
Comment: Published functional studies show that E533K impairs ion channel function (PMID: 24445160); Also reported in an individual and sibling with a history of benign paroxysmal torticollis of infancy (BPT1) and observed in their asymptomatic mother (PMID: 24445160); Not observed at significant frequency in large population cohorts (gnomAD); In silico analysis supports that this missense variant has a deleterious effect on protein structure/function; This variant is associated with the following publications: (PMID: 27066515, 31175295, 33349592, 37555011, 38043967, 24445160, 16583725, 38929700)

Labcorp Genetics (formerly Invitae), Labcorp
Classification: Pathogenic for Developmental and epileptic encephalopathy, 42; Episodic ataxia type 2. Last evaluated: 2024-04-27. Review status: criteria provided, single submitter. Criteria: Invitae Variant Classification Sherloc (09022015). Collection method: clinical testing. Allele origin: germline.
Comment: This sequence change replaces glutamic acid, which is acidic and polar, with lysine, which is basic and polar, at codon 533 of the CACNA1A protein (p.Glu533Lys). This variant is not present in population databases (gnomAD no frequency). This missense change has been observed in individuals with CACNA1A-related conditions (PMID: 16583725, 24445160, 27066515; Invitae). It has also been observed to segregate with disease in related individuals. ClinVar contains an entry for this variant (Variation ID: 420057). Advanced modeling of protein sequence and biophysical properties (such as structural, functional, and spatial information, amino acid conservation, physicochemical variation, residue mobility, and thermodynamic stability) performed at Invitae indicates that this missense variant is expected to disrupt CACNA1A protein function with a positive predictive value of 95%. Experimental studies have shown that this missense change affects CACNA1A function (PMID: 24445160). For these reasons, this variant has been classified as Pathogenic.

Athena Diagnostics
Classification: Pathogenic. Last evaluated: 2024-01-11. Review status: criteria provided, single submitter. Criteria: Athena Diagnostics Criteria. Collection method: clinical testing. Allele origin: unknown.
Comment: This variant has been identified in multiple unrelated individuals with episodic ataxia. This variant has not been reported in large, multi-ethnic general populations. Assessment of experimental evidence suggests this variant results in abnormal protein function. (PMID: 24445160)

Revvity Omics, Revvity
Classification: Likely pathogenic. Last evaluated: 2020-12-22. Review status: criteria provided, single submitter. Criteria: ACMG Guidelines, 2015. Collection method: clinical testing. Allele origin: germline.

Victorian Clinical Genetics Services, Murdoch Childrens Research Institute
Classification: Pathogenic for Episodic ataxia type 2. Last evaluated: 2020-10-19. Review status: criteria provided, single submitter. Criteria: ACMG Guidelines, 2015. Collection method: clinical testing. Allele origin: germline. Inheritance: Autosomal dominant inheritance. Affected: yes.
Comment: Based on the classification scheme VCGS_Germline_v1.3.3, this variant is classified as Pathogenic. Following criteria are met: 0103 - Loss of function and gain of function are known mechanisms of disease in this gene and are associated with episodic ataxia type 2 (EA2; MIM# 108500) and hemiplegic migraine, respectively (PMID: 28566750). (I) 0107 - This gene is associated with autosomal dominant disease. (I) 0112 - EA2 associated with this gene has incomplete penetrance (PMID: 10408533). (I) 0200 - Variant is predicted to result in a missense amino acid change from glutamic acid to lysine. (I) 0251 - This variant is heterozygous. (I) 0302 - Variant is present in gnomAD (v3) <0.001 for a dominant condition (1 heterozygote, 0 homozygotes). (SP) 0501 - Missense variant consistently predicted to be damaging by multiple in silico tools or highly conserved with a major amino acid change. (SP) 0603 - Missense variant in a region that is highly intolerant to missense variation (high constraint region in DECIPHER) within the transmembrane region (PMID: 27066515) of the ion transport protein domain (Decipher, PDB, NCBI). (SP) 0705 - No comparable missense variants have previous evidence for pathogenicity. (I) 0802 - This variant has moderate previous evidence of pathogenicity in unrelated individuals with EA2 (ClinVar; PMIDs: 16583725, 27066515). In addition, this variant has been reported in two siblings with benign paroxysmal torticollis of infancy (BPTI), inherited from asymptomatic mother (PMID: 24445160). (SP) 0903 - This variant has limited evidence for segregation in one family with EA2 (PMID: 16583725). (SP) 1002 - Limited functional evidence supporting abnormal protein function. Patch clamp studies using HEK293 cells showed a loss of function effect of the channel activity due to impaired gating by voltage and lowered current density (PMID: 24445160). However, patch clamp assays have been shown to be unreliable, therefore results from these studies are used with caution during variant classification. (N) 1208 - Inheritance information for this variant is not currently available in this individual. (I) Legend: (SP) - Supporting pathogenic, (I) - Information, (SB) - Supporting benign

Genetic Services Laboratory, University of Chicago
Classification: Likely pathogenic. Last evaluated: 2022-06-13. Review status: no assertion criteria provided. Collection method: clinical testing. Allele origin: germline. Affected: yes. Not counted in ClinVar's aggregate classification.
Comment: DNA sequence analysis of the CACNA1A gene demonstrated a sequence change, c.1597G>A, in exon 12 that results in an amino acid change, p.Glu533Lys. The p.Glu533Lys change affects a highly conserved amino acid residue located in a domain of the CACNA1A protein that is known to be functional. This sequence change has not been described in population databases such as ExAC and gnomAD. This sequence change has been described in individuals with CACNA1A-related disorders (PMID: 16583725, 27066515, 24445160). Functional studies have shown that this variant causes impaired ion channel function (PMID: 24445160). The p.Glu533Lys substitution appears to be deleterious using several in-silico pathogenicity prediction tools (SIFT, PolyPhen2, Align GVGD, REVEL). Based on these evidence this sequence change is classified as likely pathogenic.

Literature cited by the submitters: PubMed 16583725 (cited by 3 submitters); PubMed 24445160 (cited by 3 submitters); PubMed 27066515 (cited by 3 submitters); PubMed 33349592 (cited by Athena Diagnostics); PubMed 31175295 (cited by Athena Diagnostics); PubMed 10408533 (cited by Victorian Clinical Genetics Services, Murdoch Childrens Research Institute); PubMed 28566750 (cited by Victorian Clinical Genetics Services, Murdoch Childrens Research Institute).

NM_001127222.2(CACNA1A):c.1594G>A (p.Glu532Lys)

Gene: CACNA1A (calcium voltage-gated channel subunit alpha1 A; minus strand). Cytogenetic location: 19p13.13.
Variant type: single nucleotide variant.
Coding change: c.1594G>A on transcript NM_001127222.2 (MANE Select); coding-DNA position 1594, G replaced by A.
Protein change: p.Glu532Lys; replaces glutamic acid 532 with lysine.
Molecular consequence: missense variant.
Genome position (GRCh38, 1-based): chr19:13,312,743, C>T on the plus strand (G>A on the coding strand, the complement: CACNA1A is on the minus strand). VCF-style: chr19-13312743-C-T. GRCh37 (hg19) VCF-style: chr19-13423557-C-T.
Other names: c.1597G>A (NM_000068.2); c.1597G>A, p.Glu533Lys (NM_000068.4, NM_001127221.2, NM_001174080.2 and 1 more transcripts); c.1594G>A (NM_001127222.1); short protein forms E533K, E532K.
Identifiers: ClinVar variation 420057 (VCV000420057.21), dbSNP rs1064794263, ClinGen allele CA16620797.